The following is an entry in ClinVar:

ClinVar aggregate classification (germline): Uncertain significance (1 of 4 stars; one submission).

Conditions:
3-methylglutaconic aciduria, type VIIB (MGCA7B). Also called: 3-methylglutaconic aciduria, type VII, with cataracts, neurologic involvement and neutropenia; CLPB Deficiency; 3-methylglutaconic aciduria with cataracts, neurologic involvement and neutropenia. Identifiers: Orphanet 445038, MedGen C5676893, MONDO:0014561, OMIM 616271.

gnomAD v4.1: 5 of 1,612,272 alleles (0.00031%); highest among the groups gnomAD compares: Non-Finnish European, 0.00042%; no homozygotes.

Submission:

Labcorp Genetics (formerly Invitae), Labcorp
Classification: Uncertain significance for 3-methylglutaconic aciduria, type VIIB. Last evaluated: 2024-12-08. Review status: criteria provided, single submitter. Criteria: Invitae Variant Classification Sherloc (09022015). Collection method: clinical testing. Allele origin: germline.
Comment: This sequence change replaces proline, which is neutral and non-polar, with serine, which is neutral and polar, at codon 56 of the CLPB protein (p.Pro56Ser). This variant is not present in population databases (gnomAD no frequency). This variant has not been reported in the literature in individuals affected with CLPB-related conditions. An algorithm developed to predict the effect of missense changes on protein structure and function (PolyPhen-2) suggests that this variant is likely to be tolerated. In summary, the available evidence is currently insufficient to determine the role of this variant in disease. Therefore, it has been classified as a Variant of Uncertain Significance.

NM_001258392.3(CLPB):c.166C>T (p.Pro56Ser)

Genes: CLPB (ClpB family mitochondrial disaggregase; minus strand), LOC130006336 (ATAC-STARR-seq lymphoblastoid active region 5191; plus strand). Cytogenetic location: 11q13.4.
Variant type: single nucleotide variant.
Coding change: c.166C>T on transcript NM_001258392.3 (MANE Select); coding-DNA position 166, C replaced by T.
Protein change: p.Pro56Ser; replaces proline 56 with serine.
Molecular consequence: missense variant. On other transcripts: 5 prime UTR variant (1).
Genome position (GRCh38, 1-based): chr11:72,434,309, G>A on the plus strand (C>T on the coding strand, the complement: CLPB is on the minus strand). VCF-style: chr11-72434309-G-A. GRCh37 (hg19) VCF-style: chr11-72145353-G-A.
Other names: c.166C>T, p.Pro56Ser (NM_001258393.3, NM_030813.6); c.-77C>T (NM_001258394.3); short protein forms P56S.
Identifiers: ClinVar variation 3705367 (VCV003705367.2).